The following is an entry in ClinVar:

ClinVar aggregate classification (germline): Uncertain significance (1 of 4 stars; one submission).

Conditions:
Glycine encephalopathy. Also called: Nonketotic hyperglycinemia; Non-ketotic hyperglycinemia. Identifiers: Orphanet 407, MedGen C0751748, MONDO:0011612, HP:0008288.

Allele frequency attached by ClinVar (database versions not stated): TOPMed below 0.00001; gnomAD 0.00001.
gnomAD v4.1: 1 of 1,611,606 alleles (0.000062%); highest among the groups gnomAD compares: Non-Finnish European, 0.000085%; no homozygotes.

Submission:

Labcorp Genetics (formerly Invitae), Labcorp
Classification: Uncertain significance for Glycine encephalopathy. Last evaluated: 2022-04-01. Review status: criteria provided, single submitter. Criteria: Invitae Variant Classification Sherloc (09022015). Collection method: clinical testing. Allele origin: germline.
Comment: This sequence change replaces glutamine, which is neutral and polar, with lysine, which is basic and polar, at codon 208 of the GLDC protein (p.Gln208Lys). This variant is not present in population databases (gnomAD no frequency). This variant has not been reported in the literature in individuals affected with GLDC-related conditions. Advanced modeling of protein sequence and biophysical properties (such as structural, functional, and spatial information, amino acid conservation, physicochemical variation, residue mobility, and thermodynamic stability) performed at Invitae indicates that this missense variant is not expected to disrupt GLDC protein function. In summary, the available evidence is currently insufficient to determine the role of this variant in disease. Therefore, it has been classified as a Variant of Uncertain Significance.

NM_000170.3(GLDC):c.622C>A (p.Gln208Lys)

Gene: GLDC (glycine decarboxylase; minus strand). Cytogenetic location: 9p24.1.
Variant type: single nucleotide variant.
Coding change: c.622C>A on transcript NM_000170.3 (MANE Select); coding-DNA position 622, C replaced by A.
Protein change: p.Gln208Lys; replaces glutamine 208 with lysine.
Molecular consequence: missense variant.
Genome position (GRCh38, 1-based): chr9:6,610,205, G>T on the plus strand (C>A on the coding strand, the complement: GLDC is on the minus strand). VCF-style: chr9-6610205-G-T. GRCh37 (hg19) VCF-style: chr9-6610205-G-T.
Other names: short protein forms Q208K.
Identifiers: ClinVar variation 2189574 (VCV002189574.1), dbSNP rs1163351205, ClinGen allele CA372898150.